The following is an entry in ClinVar:

NC_000010.10:g.(?_116476)_(450983_?)del

Genes: DIP2C (disco interacting protein 2 homolog C; minus strand), ZMYND11 (zinc finger MYND-type containing 11; plus strand). Cytogenetic location: 10p15.3.
Variant type: Deletion.
Identifiers: ClinVar variation 222072 (VCV000222072.2).

ClinVar aggregate classification (germline): Pathogenic (0 of 4 stars; one submission).

Submission:

Institute of Human Genetics, LMU University Hospital
Classification: Pathogenic. Last evaluated: 2016-01-04. Review status: no assertion criteria provided. Collection method: clinical testing. Allele origin: germline. Affected: yes. Observed: 2 variant alleles.
Comment: identical familial microdeletion in two maternal half sisters; microdeletion 10p15.3